The following is an entry in ClinVar:

ClinVar aggregate classification (germline): Uncertain significance (1 of 4 stars; one submission).

gnomAD v4.1: 1 of 1,613,990 alleles (0.000062%); highest among the groups gnomAD compares: Non-Finnish European, 0.000085%; no homozygotes.

Submission:

Labcorp Genetics (formerly Invitae), Labcorp
Classification: Uncertain significance. Last evaluated: 2025-03-09. Review status: criteria provided, single submitter. Criteria: Invitae Variant Classification Sherloc (09022015). Collection method: clinical testing. Allele origin: germline.
Comment: This sequence change replaces glycine, which is neutral and non-polar, with aspartic acid, which is acidic and polar, at codon 84 of the CREB3L3 protein (p.Gly84Asp). This variant is not present in population databases (gnomAD no frequency). This variant has not been reported in the literature in individuals affected with CREB3L3-related conditions. Invitae Evidence Modeling of protein sequence and biophysical properties (such as structural, functional, and spatial information, amino acid conservation, physicochemical variation, residue mobility, and thermodynamic stability) indicates that this missense variant is not expected to disrupt CREB3L3 protein function with a negative predictive value of 80%. In summary, the available evidence is currently insufficient to determine the role of this variant in disease. Therefore, it has been classified as a Variant of Uncertain Significance.

NM_032607.3(CREB3L3):c.251G>A (p.Gly84Asp)

Gene: CREB3L3 (cAMP responsive element binding protein 3 like 3; plus strand). Cytogenetic location: 19p13.3.
Variant type: single nucleotide variant.
Coding change: c.251G>A on transcript NM_032607.3 (MANE Select); coding-DNA position 251, G replaced by A.
Protein change: p.Gly84Asp; replaces glycine 84 with aspartic acid.
Molecular consequence: missense variant.
Genome position (GRCh38, 1-based): chr19:4,157,089, G>A. VCF-style: chr19-4157089-G-A. GRCh37 (hg19) VCF-style: chr19-4157086-G-A.
Other names: c.248G>A, p.Gly83Asp (NM_001271995.2); c.251G>A, p.Gly84Asp (NM_001271996.2, NM_001271997.2); short protein forms G83D, G84D.
Identifiers: ClinVar variation 3611822 (VCV003611822.2).
Genomic context (GRCh38, chr19:4,157,089, plus strand): 5'-TCAGCTCCATCCTGGGCTCTGGAGACTCACTGCCCAGCTCCCCACTCTGGTCCCCCGAAG[G>A]CAGTGATAGTGGCATCTCCGAAGACCTCCCCTCCGACCCCCAGGACACCCCTCCACGCAG-3'
Protein context (NP_115996.1, residues 74-94): LPSSPLWSPE[Gly84Asp]SDSGISEDLP